The following is an entry in ClinVar:

ClinVar aggregate classification (germline): Uncertain significance (1 of 4 stars; one submission).

Conditions:
Tietz syndrome (TADS). Also called: HYPOPIGMENTATION/DEAFNESS OF TIETZ; ALBINISM-DEAFNESS OF TIETZ; TIETZ ALBINISM-DEAFNESS SYNDROME. Identifiers: Orphanet 42665, MedGen C0391816, MONDO:0007077, OMIM 103500.
Melanoma, cutaneous malignant, susceptibility to, 8. Also called: Cutaneous malignant melanoma 8; MELANOMA AND RENAL CELL CARCINOMA, SUSCEPTIBILITY TO. Identifiers: Orphanet 293822, MedGen C3152204, MONDO:0013759, OMIM 614456.
Waardenburg syndrome type 2A (WS2A). Also called: WAARDENBURG SYNDROME WITHOUT DYSTOPIA CANTHORUM. Identifiers: Orphanet 3440, MedGen C1860339, MONDO:0008671, OMIM 193510.

gnomAD v4.1: 1 of 1,613,760 alleles (0.000062%); highest among the groups gnomAD compares: East Asian, 0.0022%; no homozygotes.

Submission:

Labcorp Genetics (formerly Invitae), Labcorp
Classification: Uncertain significance for Melanoma, cutaneous malignant, susceptibility to, 8; Waardenburg syndrome type 2A; Tietz syndrome. Last evaluated: 2025-07-07. Review status: criteria provided, single submitter. Criteria: Invitae Variant Classification Sherloc (09022015). Collection method: clinical testing. Allele origin: germline.
Comment: This sequence change replaces arginine, which is basic and polar, with glycine, which is neutral and non-polar, at codon 406 of the MITF protein (p.Arg406Gly). This variant is present in population databases (rs752915964, gnomAD 0.006%). This variant has not been reported in the literature in individuals affected with MITF-related conditions. ClinVar contains an entry for this variant (Variation ID: 2921374). Invitae Evidence Modeling of protein sequence and biophysical properties (such as structural, functional, and spatial information, amino acid conservation, physicochemical variation, residue mobility, and thermodynamic stability) indicates that this missense variant is expected to disrupt MITF protein function with a positive predictive value of 80%. In summary, the available evidence is currently insufficient to determine the role of this variant in disease. Therefore, it has been classified as a Variant of Uncertain Significance.

NM_001354604.2(MITF):c.1537C>G (p.Arg513Gly)

Gene: MITF (melanocyte inducing transcription factor; plus strand). Cytogenetic location: 3p13.
Variant type: single nucleotide variant.
Coding change: c.1537C>G on transcript NM_001354604.2 (MANE Select); coding-DNA position 1537, C replaced by G.
Protein change: p.Arg513Gly; replaces arginine 513 with glycine.
Molecular consequence: missense variant.
Genome position (GRCh38, 1-based): chr3:69,965,204, C>G. VCF-style: chr3-69965204-C-G. GRCh37 (hg19) VCF-style: chr3-70014355-C-G.
Other names: c.1216C>G, p.Arg406Gly (NM_000248.4); c.1363C>G, p.Arg455Gly (NM_001184967.2, NM_001354608.2); c.1534C>G, p.Arg512Gly (NM_001354605.2); c.1516C>G, p.Arg506Gly (NM_001354606.2, NM_006722.3); c.1468C>G, p.Arg490Gly (NM_001354607.2); c.1198C>G, p.Arg400Gly (NM_198158.3); c.1519C>G, p.Arg507Gly (NM_198159.3); c.1471C>G, p.Arg491Gly (NM_198177.3); and 1 more; short protein forms R507G, R512G, R513G, R400G, R455G, R490G, R491G, R344G.
Identifiers: ClinVar variation 2921374 (VCV002921374.3), dbSNP rs752915964, ClinGen allele CA2490694.
Genomic context (GRCh38, chr3:69,965,204, plus strand): 5'-GTCGGTGTCACTGATCCACTCCTTTCCTCAGTGTCCCCCGGAGCTTCCAAAACAAGCAGC[C>G]GGAGGAGCAGTATGAGCATGGAAGAGACGGAGCACACTTGTTAGCGAATCCTCCCTGCAC-3'
Protein context (NP_001341533.1, residues 503-523): VSPGASKTSS[Arg513Gly]RSSMSMEETE